The following is an entry in ClinVar:

ClinVar aggregate classification (germline): Pathogenic/Likely pathogenic. Review status: criteria provided, multiple submitters, no conflicts (2 of 4 stars). 2 submissions from 2 submitters: Pathogenic (1); Likely pathogenic (1). Last evaluated 2023-11-17.

Submissions (2):

Labcorp Genetics (formerly Invitae), Labcorp
Classification: Pathogenic. Last evaluated: 2023-11-17. Review status: criteria provided, single submitter. Criteria: Invitae Variant Classification Sherloc (09022015). Collection method: clinical testing. Allele origin: germline.
Comment: This sequence change results in a frameshift in the WNT1 gene (p.Thr336Alafs*125). While this is not anticipated to result in nonsense mediated decay, it is expected to disrupt the last 35 amino acid(s) of the WNT1 protein and extend the protein by 89 additional amino acid residues. This variant is not present in population databases (gnomAD no frequency). This variant has not been reported in the literature in individuals affected with WNT1-related conditions. ClinVar contains an entry for this variant (Variation ID: 1701197). This variant disrupts a region of the WNT1 protein in which other variant(s) (p.Val355Phe) have been determined to be pathogenic (PMID: 23434763, 25010833). This suggests that this is a clinically significant region of the protein, and that variants that disrupt it are likely to be disease-causing. For these reasons, this variant has been classified as Pathogenic.

CeGaT Center for Human Genetics Tuebingen
Classification: Likely pathogenic. Last evaluated: 2022-07-01. Review status: criteria provided, single submitter. Criteria: CeGaT Center For Human Genetics Tuebingen Variant Classification Criteria Version 2. Collection method: clinical testing. Allele origin: germline. Affected: yes. Observed: 1 variant allele.
Comment: WNT1: PVS1:Strong, PM2, PP4

Literature cited by the submitters: PubMed 23434763 (cited by Labcorp Genetics (formerly Invitae), Labcorp); PubMed 25010833 (cited by Labcorp Genetics (formerly Invitae), Labcorp).

NM_005430.4(WNT1):c.999_1021del (p.Thr336fs)

Gene: WNT1 (Wnt family member 1; plus strand). Cytogenetic location: 12q13.12.
Variant type: Deletion.
Coding change: c.999_1021del on transcript NM_005430.4 (MANE Select); coding-DNA positions 999 to 1021, 23 bases deleted (CCACCGCACGCGCACGCAGCGCG).
Protein change: p.Thr336fs; shifts the reading frame from threonine 336.
Molecular consequence: frameshift variant.
Genome position (GRCh38, 1-based): chr12:48,981,526-48,981,548, CCACCGCACGCGCACGCAGCGCG deleted; deleting any 23 consecutive bases within chr12:48,981,525-48,981,548 gives the same sequence; the c. name uses the placement nearest the transcript's 3' end. VCF-style (leftmost placement, unchanged base first): chr12-48981524-GGCCACCGCACGCGCACGCAGCGC-G. GRCh37 (hg19) VCF-style: chr12-49375307-GGCCACCGCACGCGCACGCAGCGC-G.
Other names: short protein forms T336fs.
Identifiers: ClinVar variation 1701197 (VCV001701197.36), dbSNP rs1941014492, ClinGen allele CA947424479.